The following is an entry in ClinVar:

ClinVar aggregate classification (germline): Uncertain significance (1 of 4 stars; one submission).

Submission:

GeneDx
Classification: Uncertain significance. Last evaluated: 2020-06-12. Review status: criteria provided, single submitter. Criteria: GeneDx Variant Classification Process June 2021. Collection method: clinical testing. Allele origin: germline. Affected: yes.
Comment: Has not been previously published as pathogenic or benign to our knowledge; Not observed in large population cohorts (Lek 2016); In silico analysis supports that this missense variant has a deleterious effect on protein structure/function

NM_005359.6(SMAD4):c.1273G>A (p.Ala425Thr)

Gene: SMAD4 (SMAD family member 4; plus strand). Cytogenetic location: 18q21.2.
Variant type: single nucleotide variant.
Coding change: c.1273G>A on transcript NM_005359.6 (MANE Select); coding-DNA position 1273, G replaced by A.
Protein change: p.Ala425Thr; replaces alanine 425 with threonine.
Molecular consequence: missense variant.
Genome position (GRCh38, 1-based): chr18:51,067,152, G>A. VCF-style: chr18-51067152-G-A. GRCh37 (hg19) VCF-style: chr18-48593522-G-A.
Other names: short protein forms A425T.
Identifiers: ClinVar variation 1312703 (VCV001312703.2), dbSNP rs2144452734, ClinGen allele CA402465004.